The following is an entry in ClinVar:

NM_182699.4(DDX53):c.66G>C (p.Trp22Cys)

Genes: DDX53 (DEAD-box helicase 53; plus strand), PTCHD1-AS (PTCHD1 and PHEX antisense RNA; minus strand). Cytogenetic location: Xp22.11.
Variant type: single nucleotide variant.
Coding change: c.66G>C on transcript NM_182699.4 (MANE Select); coding-DNA position 66, G replaced by C.
Protein change: p.Trp22Cys; replaces tryptophan 22 with cysteine.
Molecular consequence: missense variant.
Genome position (GRCh38, 1-based): chrX:23,000,123, G>C. VCF-style: chrX-23000123-G-C. GRCh37 (hg19) VCF-style: chrX-23018240-G-C.
Other names: short protein forms W22C.
Identifiers: ClinVar variation 4689863 (VCV004689863.1).
Genomic context (GRCh38, chrX:23,000,123, plus strand): 5'-CCACTGGGCCCCAGAGTGGAAGAGGGCGGAGGCTAATCCAAGAGACCTTGGGGCCAGCTG[G>C]GATGTCAGGGGCAGCAGAGGCAGTGGCTGGAGTGGCCCCTTCGGCCATCAGGGACCGAGA-3'
Protein context (NP_874358.2, residues 12-32): EANPRDLGAS[Trp22Cys]DVRGSRGSGW

ClinVar aggregate classification (germline): Uncertain significance (1 of 4 stars; one submission).

Submission:

GeneDx
Classification: Uncertain significance. Last evaluated: 2025-07-31. Review status: criteria provided, single submitter. Criteria: GeneDx Variant Classification Process June 2021. Collection method: clinical testing. Allele origin: germline. Affected: yes.
Comment: Not observed at significant frequency in large population cohorts (gnomAD); In silico analysis suggests that this missense variant does not alter protein structure/function; Has not been previously published as pathogenic or benign to our knowledge